The following is an entry in ClinVar:

ClinVar aggregate classification (germline): Uncertain significance (1 of 4 stars; one submission).

Submission:

GeneDx
Classification: Uncertain significance. Last evaluated: 2024-07-23. Review status: criteria provided, single submitter. Criteria: GeneDx Variant Classification Process June 2021. Collection method: clinical testing. Allele origin: germline. Affected: yes.
Comment: Not observed at significant frequency in large population cohorts (gnomAD); In silico analysis indicates that this missense variant does not alter protein structure/function; Has not been previously published as pathogenic or benign to our knowledge

NM_020442.6(VARS2):c.2395A>G (p.Thr799Ala)

Gene: VARS2 (valyl-tRNA synthetase 2, mitochondrial; plus strand). Cytogenetic location: 6p21.33.
Variant type: single nucleotide variant.
Coding change: c.2395A>G on transcript NM_020442.6 (MANE Select); coding-DNA position 2395, A replaced by G.
Protein change: p.Thr799Ala; replaces threonine 799 with alanine.
Molecular consequence: missense variant.
Genome position (GRCh38, 1-based): chr6:30,923,434, A>G. VCF-style: chr6-30923434-A-G. GRCh37 (hg19) VCF-style: chr6-30891211-A-G.
Other names: c.1975A>G, p.Thr659Ala (NM_001167733.3); c.2485A>G, p.Thr829Ala (NM_001167734.2); short protein forms T659A, T799A, T829A.
Identifiers: ClinVar variation 3600745 (VCV003600745.1).